The following is an entry in ClinVar:

NM_001939.3(DRP2):c.1294G>T (p.Glu432Ter)

Gene: DRP2 (dystrophin related protein 2; plus strand). Cytogenetic location: Xq22.1.
Variant type: single nucleotide variant.
Coding change: c.1294G>T on transcript NM_001939.3 (MANE Select); coding-DNA position 1294, G replaced by T.
Protein change: p.Glu432Ter; replaces glutamic acid 432 with a stop codon.
Molecular consequence: nonsense.
Genome position (GRCh38, 1-based): chrX:101,248,130, G>T. VCF-style: chrX-101248130-G-T. GRCh37 (hg19) VCF-style: chrX-100503119-G-T.
Other names: c.1060G>T, p.Glu354Ter (NM_001171184.2); c.1294G>T (NM_001939.2); short protein forms E354*, E432*.
Identifiers: ClinVar variation 1360406 (VCV001360406.7), dbSNP rs759517614, ClinGen allele CA10472244.

ClinVar aggregate classification (germline): Pathogenic/Likely pathogenic. Review status: criteria provided, multiple submitters, no conflicts (2 of 4 stars). 3 submissions from 3 submitters: Pathogenic (2); Likely pathogenic (1). Last evaluated 2025-09-25.

Conditions:
DRP2-related Charcot-Marie-Tooth disease.
Charcot-Marie-Tooth disease. Also called: Charcot-Marie-Tooth Neuropathy; Charcot-Marie-Tooth Hereditary Neuropathy. Identifiers: Orphanet 166, MedGen C0007959, MONDO:0015626.

Allele frequency attached by ClinVar (database versions not stated): ExAC 0.00001; gnomAD exomes 0.00002 and 0.00010; TOPMed 0.00024; gnomAD 0.00027 and 0.00028.
gnomAD v4.1: 50 of 1,209,536 alleles (0.0041%); highest among the groups gnomAD compares: Admixed American, 0.1%; no homozygotes.

Submissions (3):

Concord Molecular Medicine Laboratory, Concord Repatriation General Hospital
Classification: Pathogenic for Charcot-Marie-Tooth disease. Last evaluated: 2025-09-25. Review status: criteria provided, single submitter. Criteria: ACMG Guidelines, 2015. Collection method: clinical testing. Allele origin: germline. Inheritance: X-linked recessive inheritance. Affected: yes. Observed: 1 hemizygote.
Comment: DRP2 is associated with X-linked recessive Charcot-Marie-Tooth disease. The c.1294G>T variant introduces a premature termination codon, p.(Glu432*) in exon 13 out of a total of 24 exons. The variant transcript is predicted to be subject to nonsense mediated decay. The same variant has been described in five individuals affected with Charcot-Marie-Tooth disease across three families. Other loss of function variants in DRP2 have also been described in Charcot-Marie-Tooth disease.

Labcorp Genetics (formerly Invitae), Labcorp
Classification: Pathogenic. Last evaluated: 2023-04-19. Review status: criteria provided, single submitter. Criteria: Invitae Variant Classification Sherloc (09022015). Collection method: clinical testing. Allele origin: germline.
Comment: ClinVar contains an entry for this variant (Variation ID: 1360406). This variant has not been reported in the literature in individuals affected with DRP2-related conditions. This variant is present in population databases (rs759517614, gnomAD 0.07%), and has an allele count higher than expected for a pathogenic variant. This sequence change creates a premature translational stop signal (p.Glu432*) in the DRP2 gene. It is expected to result in an absent or disrupted protein product. Loss-of-function variants in DRP2 are known to be pathogenic (PMID: 22764250, 26227883). For these reasons, this variant has been classified as Pathogenic.

Clinical Genetics Service, Universitary Hospital 12 de Octubre
Classification: Likely pathogenic for DRP2-related Charcot-Marie-Tooth disease. Review status: criteria provided, single submitter. Criteria: ACMG Guidelines, 2015. Collection method: clinical testing. Allele origin: germline. Affected: yes.

Literature cited by the submitters: PubMed 29473052 (cited by Concord Molecular Medicine Laboratory, Concord Repatriation General Hospital); PubMed 38513194 (cited by Concord Molecular Medicine Laboratory, Concord Repatriation General Hospital); PubMed 22764250 (cited by Concord Molecular Medicine Laboratory, Concord Repatriation General Hospital and Labcorp Genetics (formerly Invitae), Labcorp); PubMed 26227883 (cited by Concord Molecular Medicine Laboratory, Concord Repatriation General Hospital and Labcorp Genetics (formerly Invitae), Labcorp).